The following is an entry in ClinVar:

NM_001105206.3(LAMA4):c.509C>T (p.Ala170Val)

Gene: LAMA4 (laminin subunit alpha 4; minus strand). Cytogenetic location: 6q21.
Variant type: single nucleotide variant.
Coding change: c.509C>T on transcript NM_001105206.3 (MANE Select); coding-DNA position 509, C replaced by T.
Protein change: p.Ala170Val; replaces alanine 170 with valine.
Molecular consequence: missense variant.
Genome position (GRCh38, 1-based): chr6:112,191,845, G>A on the plus strand (C>T on the coding strand, the complement: LAMA4 is on the minus strand). VCF-style: chr6-112191845-G-A. GRCh37 (hg19) VCF-style: chr6-112513047-G-A.
Other names: c.509C>T, p.Ala170Val (NM_001105207.3, NM_002290.5); short protein forms A170V.
Identifiers: ClinVar variation 1024612 (VCV001024612.8), dbSNP rs1351676576, ClinGen allele CA365378519.

ClinVar aggregate classification (germline): Uncertain significance (1 of 4 stars; one submission).

Conditions:
Dilated cardiomyopathy 1JJ (CMD1JJ). Identifiers: Orphanet 154, MedGen C3808935, MONDO:0014095, OMIM 615235.

Allele frequency attached by ClinVar (database versions not stated): gnomAD exomes below 0.00001; gnomAD 0.00001; TOPMed 0.00001.
gnomAD v4.1: 3 of 1,610,444 alleles (0.00019%); highest among the groups gnomAD compares: South Asian, 0.0011%; no homozygotes.

Submission:

Labcorp Genetics (formerly Invitae), Labcorp
Classification: Uncertain significance for Dilated cardiomyopathy 1JJ. Last evaluated: 2024-04-05. Review status: criteria provided, single submitter. Criteria: Invitae Variant Classification Sherloc (09022015). Collection method: clinical testing. Allele origin: germline.
Comment: This sequence change replaces alanine, which is neutral and non-polar, with valine, which is neutral and non-polar, at codon 170 of the LAMA4 protein (p.Ala170Val). This variant is present in population databases (no rsID available, gnomAD 0.0008%). This variant has not been reported in the literature in individuals affected with LAMA4-related conditions. ClinVar contains an entry for this variant (Variation ID: 1024612). An algorithm developed to predict the effect of missense changes on protein structure and function (PolyPhen-2) suggests that this variant is likely to be disruptive. In summary, the available evidence is currently insufficient to determine the role of this variant in disease. Therefore, it has been classified as a Variant of Uncertain Significance.